The following is an entry in ClinVar:

ClinVar aggregate classification (germline): Conflicting classifications of pathogenicity. Review status: criteria provided, conflicting classifications (1 of 4 stars). 3 submissions from 3 submitters: Uncertain significance (1); Likely benign (2). Last evaluated 2024-08-23.

Conditions:
Oligodontia-cancer predisposition syndrome. Also called: TOOTH AGENESIS-COLORECTAL CANCER SYNDROME. Identifiers: Orphanet 300576, MedGen C1837750, MONDO:0012075, OMIM 608615. Disease mechanism: loss of function.
Hereditary cancer-predisposing syndrome. Also called: Tumor predisposition; Hereditary neoplastic syndrome; Neoplastic Syndromes, Hereditary; Hereditary Cancer Syndrome. Identifiers: Orphanet 140162, MedGen C0027672, MeSH D009386, MONDO:0015356.

Submissions (3):

Ambry Genetics
Classification: Uncertain significance for Hereditary cancer-predisposing syndrome. Last evaluated: 2024-08-23. Review status: criteria provided, single submitter. Criteria: Ambry Variant Classification Scheme 2023. Collection method: clinical testing. Allele origin: germline.
Comment: The c.1060-4G>C intronic variant results from a G to C substitution 4 nucleotides upstream from coding exon 4 in the AXIN2 gene. This nucleotide position is not well conserved in available vertebrate species. In silico splice site analysis for this alteration is inconclusive. Based on the available evidence, the clinical significance of this variant remains unclear.

Myriad Genetics, Inc.
Classification: Likely benign for Oligodontia-cancer predisposition syndrome. Last evaluated: 2024-07-01. Review status: criteria provided, single submitter. Criteria: Myriad Autosomal Dominant, Autosomal Recessive and X-Linked Classification Criteria (2023). Collection method: clinical testing. Allele origin: unknown.
Comment: This variant is considered likely benign. This variant is intronic and is not expected to impact mRNA splicing.

Labcorp Genetics (formerly Invitae), Labcorp
Classification: Likely benign for Oligodontia-cancer predisposition syndrome. Last evaluated: 2019-09-27. Review status: criteria provided, single submitter. Criteria: Invitae Variant Classification Sherloc (09022015). Collection method: clinical testing. Allele origin: germline.

NM_004655.4(AXIN2):c.1060-4G>C

Gene: AXIN2 (axin 2; minus strand). Cytogenetic location: 17q24.1.
Variant type: single nucleotide variant.
Coding change: c.1060-4G>C on transcript NM_004655.4 (MANE Select); 4 bases into the intron before coding-DNA position 1060, G replaced by C.
Molecular consequence: intron variant.
Genome position (GRCh38, 1-based): chr17:65,538,347, C>G on the plus strand (G>C on the coding strand, the complement: AXIN2 is on the minus strand). VCF-style: chr17-65538347-C-G. GRCh37 (hg19) VCF-style: chr17-63534465-C-G.
Other names: c.1060-4G>C (NM_001363813.1).
Identifiers: ClinVar variation 751283 (VCV000751283.12), dbSNP rs1598101089, ClinGen allele CA915952179.